The following is an entry in ClinVar:

NM_000179.3(MSH6):c.3465G>T (p.Gln1155His)

Gene: MSH6 (mutS homolog 6; plus strand). Cytogenetic location: 2p16.3.
Variant type: single nucleotide variant.
Coding change: c.3465G>T on transcript NM_000179.3 (MANE Select); coding-DNA position 3465, G replaced by T.
Protein change: p.Gln1155His; replaces glutamine 1155 with histidine.
Molecular consequence: missense variant.
Genome position (GRCh38, 1-based): chr2:47,804,936, G>T. VCF-style: chr2-47804936-G-T. GRCh37 (hg19) VCF-style: chr2-48032075-G-T.
Other names: c.3075G>T, p.Gln1025His (NM_001281492.2); c.2559G>T, p.Gln853His (NM_001281493.2, NM_001281494.2); short protein forms Q1155H, Q853H, Q1025H.
Identifiers: ClinVar variation 410474 (VCV000410474.31), dbSNP rs766817979, ClinGen allele CA16611046.

ClinVar aggregate classification (germline): Conflicting classifications of pathogenicity. Review status: criteria provided, conflicting classifications (1 of 4 stars). 10 submissions from 10 submitters: Uncertain significance (8); Benign (1). 1 of the submissions does not count toward it. Last evaluated 2026-02-02.

Conditions:
Hereditary cancer-predisposing syndrome. Also called: Tumor predisposition; Hereditary Cancer Syndrome; Hereditary neoplastic syndrome; Neoplastic Syndromes, Hereditary. Identifiers: Orphanet 140162, MedGen C0027672, MeSH D009386, MONDO:0015356.
Lynch syndrome. Identifiers: Orphanet 144, MedGen C4552100, MONDO:0005835. Disease mechanism: loss of function.
Endometrial carcinoma. Also called: Endometrial carcinoma, somatic. Identifiers: MedGen C0476089, MONDO:0002447, OMIM 608089, HP:0012114.
MSH6-related disorder. Also called: MSH6-related condition; MSH6-Related disorders.
Hereditary nonpolyposis colorectal neoplasms. Identifiers: MedGen C0009405, MeSH D003123.

Allele frequency attached by ClinVar (database versions not stated): gnomAD exomes below 0.00001; gnomAD 0.00001; TOPMed 0.00002.

Submissions (10):

Labcorp Genetics (formerly Invitae), Labcorp
Classification: Benign for Hereditary nonpolyposis colorectal neoplasms. Last evaluated: 2026-02-02. Review status: criteria provided, single submitter. Criteria: Invitae Variant Classification Sherloc (09022015). Collection method: clinical testing. Allele origin: germline.

GeneDx
Classification: Uncertain significance. Last evaluated: 2025-08-03. Review status: criteria provided, single submitter. Criteria: GeneDx Variant Classification Process June 2021. Collection method: clinical testing. Allele origin: germline. Affected: yes.
Comment: Not observed at significant frequency in large population cohorts (gnomAD); In silico analysis supports that this missense variant has a deleterious effect on protein structure/function; Has not been previously published as pathogenic or benign to our knowledge; This variant is associated with the following publications: (PMID: 31925297, 17531815, 21120944)

Ambry Genetics
Classification: Uncertain significance for Hereditary cancer-predisposing syndrome. Last evaluated: 2024-10-11. Review status: criteria provided, single submitter. Criteria: Ambry Variant Classification Scheme 2023. Collection method: clinical testing. Allele origin: germline.
Comment: The p.Q1155H variant (also known as c.3465G>T), located in coding exon 6 of the MSH6 gene, results from a G to T substitution at nucleotide position 3465. The glutamine at codon 1155 is replaced by histidine, an amino acid with highly similar properties. This amino acid position is highly conserved in available vertebrate species. In addition, this alteration is predicted to be deleterious by in silico analysis. Based on the available evidence, the clinical significance of this variant remains unclear.

Baylor Genetics
Classification: Uncertain significance for Endometrial carcinoma. Last evaluated: 2024-03-26. Review status: criteria provided, single submitter. Criteria: ACMG Guidelines, 2015. Collection method: clinical testing. Allele origin: unknown.

Women's Health and Genetics/Laboratory Corporation of America, LabCorp
Classification: Uncertain significance. Last evaluated: 2023-10-23. Review status: criteria provided, single submitter. Criteria: LabCorp Variant Classification Summary - May 2015. Collection method: clinical testing. Allele origin: germline.

All of Us Research Program, National Institutes of Health
Classification: Uncertain significance for Lynch syndrome. Last evaluated: 2023-10-02. Review status: criteria provided, single submitter. Criteria: ACMG Guidelines, 2015. Collection method: clinical testing. Allele origin: germline. Inheritance: Autosomal dominant inheritance. Observed: 4 variant alleles, 4 heterozygotes.
Comment: This missense variant replaces glutamine with histidine at codon 1155 of the MSH6 protein. Computational prediction suggests that this variant may have deleterious impact on protein structure and function (internally defined REVEL score threshold >= 0.7, PMID: 27666373). To our knowledge, functional studies have not been reported for this variant. This variant has not been reported in individuals affected with MSH6-related disorders in the literature. This variant has not been identified in the general population by the Genome Aggregation Database (gnomAD). A different missense variant occurring at the same codon, p.Gln1155Arg is known to be disease-causing (ClinVar variation ID: 1318850). The available evidence is insufficient to determine the role of this variant in disease conclusively. Therefore, this variant is classified as a Variant of Uncertain Significance.

This study involves interpretation of variants in research participants for the purpose of population health screening. Participant phenotype was not available at the time of variant classification. Additional details can be found in publication PMID: 35346344, PMCID: PMC8962531

Color Diagnostics, LLC DBA Color Health
Classification: Uncertain significance for Hereditary cancer-predisposing syndrome. Last evaluated: 2023-08-21. Review status: criteria provided, single submitter. Criteria: ACMG Guidelines, 2015. Collection method: clinical testing. Allele origin: germline.
Comment: This missense variant replaces glutamine with histidine at codon 1155 of the MSH6 protein. Computational prediction suggests that this variant may have deleterious impact on protein structure and function (internally defined REVEL score threshold >= 0.7, PMID: 27666373). To our knowledge, functional studies have not been reported for this variant. This variant has not been reported in individuals affected with MSH6-related disorders in the literature. This variant has not been identified in the general population by the Genome Aggregation Database (gnomAD). A different missense variant occurring at the same codon, p.Gln1155Arg is known to be disease-causing (ClinVar variation ID: 1318850). The available evidence is insufficient to determine the role of this variant in disease conclusively. Therefore, this variant is classified as a Variant of Uncertain Significance.

Sema4
Classification: Uncertain significance for Hereditary cancer-predisposing syndrome. Last evaluated: 2022-01-06. Review status: criteria provided, single submitter. Criteria: Sema4 Curation Guidelines. Collection method: curation. Allele origin: germline.
Comment: To the best of our knowledge, the MSH6 c.3465G>T (p.Q1155H) variant has not been reported in individuals with MSH6-related disease. It was not observed in the large and broad cohorts of the Genome Aggregation Database (PMID: 32461654). This variant has been reported in ClinVar (Variation ID: 410474). In silico tools suggest the impact of the variant on protein function is deleterious, though these predictions have not been confirmed by functional studies. The evidence is insufficient to meet ACMG/AMP criteria for classifying the variant as benign or pathogenic. Thus, the clinical significance of this variant is currently uncertain.

Quest Diagnostics Nichols Institute San Juan Capistrano
Classification: Uncertain significance. Last evaluated: 2020-08-20. Review status: criteria provided, single submitter. Criteria: Quest Diagnostics criteria. Collection method: clinical testing. Allele origin: unknown.

PreventionGenetics, part of Exact Sciences
Classification: Uncertain significance for MSH6-related condition. Last evaluated: 2024-03-28. Review status: no assertion criteria provided. Collection method: clinical testing. Allele origin: germline. Not counted in ClinVar's aggregate classification.
Comment: The MSH6 c.3465G>T variant is predicted to result in the amino acid substitution p.Gln1155His. To our knowledge, this variant has not been reported in the literature or in a large population database, indicating this variant is rare. In ClinVar, this variant has interpretations of uncertain significance. At this time, the clinical significance of this variant is uncertain due to the absence of conclusive functional and genetic evidence.